The following is an entry in ClinVar:

NM_001130144.3(LTBP3):c.76CTG[8] (p.Leu34_Leu35del)

Gene: LTBP3 (latent transforming growth factor beta binding protein 3; minus strand). Cytogenetic location: 11q13.1.
Variant type: Microsatellite.
Coding change: c.76CTG[8] on transcript NM_001130144.3 (MANE Select); eight copies in a row of the 3-base unit CTG starting at c.76; the reference has ten copies in a row; two copies, 6 bases deleted.
Protein change: p.Leu34_Leu35del.
Molecular consequence: inframe deletion. On other transcripts: 5 prime UTR variant (1).
Genome position (GRCh38, 1-based): chr11:65,557,855-65,557,860, CAGCAG deleted on the plus strand (CTGCTG on the coding strand, the reverse complement: LTBP3 is on the minus strand); deleting any 6 consecutive bases within chr11:65,557,855-65,557,885 gives the same sequence; the position shown is the placement nearest the transcript's 3' end. VCF-style (leftmost placement, unchanged base first): chr11-65557854-CCAGCAG-C. GRCh37 (hg19) VCF-style: chr11-65325325-CCAGCAG-C.
Other names: c.-272CTG[8] (NM_001164266.1); c.76CTG[8], p.Leu34_Leu35del (NM_021070.4); c.100_105del6 (NM_001130144.2).
Identifiers: ClinVar variation 1481798 (VCV001481798.11), dbSNP rs71036212, ClinGen allele CA223971576.

ClinVar aggregate classification (germline): Uncertain significance. Review status: criteria provided, multiple submitters, no conflicts (2 of 4 stars). 3 submissions from 3 submitters: Uncertain significance (2). 1 of the submissions does not count toward it. Last evaluated 2026-03-01.

Conditions:
LTBP3-related disorder. Also called: LTBP3-related condition.
Brachyolmia-amelogenesis imperfecta syndrome. Also called: PLATYSPONDYLY WITH AMELOGENESIS IMPERFECTA; Tooth agenesis, selective, 6; Dental anomalies and short stature. Identifiers: Orphanet 2899, MedGen C1832594, MONDO:0011018, OMIM 601216. Disease mechanism: loss of function.

Submissions (3):

CeGaT Center for Human Genetics Tuebingen
Classification: Uncertain significance. Last evaluated: 2026-03-01. Review status: criteria provided, single submitter. Criteria: CeGaT Center For Human Genetics Tuebingen Variant Classification Criteria Version 2. Collection method: clinical testing. Allele origin: germline. Affected: yes. Observed: 1 variant allele.
Comment: LTBP3: PM4

Labcorp Genetics (formerly Invitae), Labcorp
Classification: Uncertain significance for Brachyolmia-amelogenesis imperfecta syndrome. Last evaluated: 2025-12-24. Review status: criteria provided, single submitter. Criteria: Invitae Variant Classification Sherloc (09022015). Collection method: clinical testing. Allele origin: germline.
Comment: This variant, c.100_105del, results in the deletion of 2 amino acid(s) of the LTBP3 protein (p.Leu34_Leu35del), but otherwise preserves the integrity of the reading frame. This variant is not present in population databases (gnomAD no frequency). This variant has not been reported in the literature in individuals affected with LTBP3-related conditions. Experimental studies and prediction algorithms are not available or were not evaluated, and the functional significance of this variant is currently unknown. In summary, the available evidence is currently insufficient to determine the role of this variant in disease. Therefore, it has been classified as a Variant of Uncertain Significance.

PreventionGenetics, part of Exact Sciences
Classification: Uncertain significance for LTBP3-related condition. Last evaluated: 2024-05-14. Review status: no assertion criteria provided. Collection method: clinical testing. Allele origin: germline. Not counted in ClinVar's aggregate classification.
Comment: The LTBP3 c.100_105del6 variant is predicted to result in an in-frame deletion (p.Leu34_Leu35del). To our knowledge, this variant has not been reported in the literature or in a large population database, indicating this variant is rare. At this time, the clinical significance of this variant is uncertain due to the absence of conclusive functional and genetic evidence.